The following continues an entry in ClinVar:

NM_000152.5(GAA):c.2608C>T (p.Arg870Ter)

Gene: GAA. ClinVar aggregate classification (germline): Pathogenic. Pathogenic (1).

Submissions 11 to 19 of 19:

GeneDx
Classification: Pathogenic. Last evaluated: 2019-01-11. Review status: criteria provided, single submitter. Criteria: GeneDx Variant Classification (06012015). Collection method: clinical testing. Allele origin: germline. Affected: yes. Not counted in ClinVar's aggregate classification.
Comment: The R870X variant has been reported in a patient with infantile onset glycogen storage disease II (GSDII) who was homozygous for the R870X variant (Swift et al., 2017). The R870X variant is not observed at a significant frequency in large population cohorts (Lek et al., 2016). The R870X variant is predicted to cause loss of normal protein function either through protein truncation or nonsense-mediated mRNA decay. In summary, we interpret this variant as pathogenic.

Fulgent Genetics
Classification: Pathogenic for Glycogen storage disease, type II. Last evaluated: 2018-10-31. Review status: criteria provided, single submitter. Criteria: ACMG Guidelines, 2015. Collection method: clinical testing. Allele origin: unknown. Not counted in ClinVar's aggregate classification.

Eurofins Ntd Llc (ga)
Classification: Pathogenic. Last evaluated: 2017-06-01. Review status: criteria provided, single submitter. Criteria: EGL Classification Definitions 2015. Collection method: clinical testing. Allele origin: germline. Observed: 2 variant alleles, 2 heterozygotes. Not counted in ClinVar's aggregate classification.

Neuberg Centre For Genomic Medicine, NCGM
Classification: Pathogenic for Glycogen storage disease, type II. Review status: criteria provided, single submitter. Criteria: ACMG Guidelines, 2015. Collection method: clinical testing. Allele origin: germline. Inheritance: Autosomal recessive inheritance. Affected: yes. Not counted in ClinVar's aggregate classification.
Comment: The stop gained c.2608C>T (p.Arg870Ter) variant in GAA gene has been reported previously in both homozygous and compound heterozygous state in multiple individuals affected with Glycogen storage disease II (Broomfield et al. 2016; Swift et al. 2017; Löscher et al. 2018). The c.2608C>T variant variant is reported with an allele frequency of 0.002% in the gnomAD exomes database and is novel (not in any individuals) in 1000 Genomes database. This variant has been reported to the ClinVar database as Likely Pathogenic / Pathogenic (multiple submissions). The nucleotide change c.2608C>T in GAA is predicted as conserved by PhyloP across 100 vertebrates. This variant is predicted to cause loss of normal protein function through protein truncation. Loss of function variants have been previously reported to be disease causing. For these reasons, this variant has been classified as Pathogenic.

Molecular Therapies Laboratory, Murdoch University
Classification: Pathogenic for Glycogen storage disease, type II. Last evaluated: 2019-01-07. Review status: no assertion criteria provided. Collection method: research. Allele origin: germline. Affected: yes. Observed: 1 variant allele. Not counted in ClinVar's aggregate classification.
Comment: Adult form; onset in third decade; normal size and amount of mRNA for GAA, GAA protein detected by antibody, but only 9 to 26% of normal acid-alpha-1,4 glucosidase activity

Counsyl
Classification: Likely pathogenic for Glycogen storage disease, type II. Last evaluated: 2014-10-14. Review status: no assertion criteria provided. Collection method: literature only. Allele origin: unknown. Inheritance: Autosomal recessive inheritance. Not counted in ClinVar's aggregate classification.

Clinical Genetics DNA and cytogenetics Diagnostics Lab, Erasmus MC, Erasmus Medical Center
Classification: Pathogenic. Review status: no assertion criteria provided. Collection method: clinical testing. Allele origin: germline. Affected: yes. Study: VKGL Data-share Consensus. Not counted in ClinVar's aggregate classification.

Genome Diagnostics Laboratory, University Medical Center Utrecht
Classification: Pathogenic. Review status: no assertion criteria provided. Collection method: clinical testing. Allele origin: germline. Affected: yes. Study: VKGL Data-share Consensus. Not counted in ClinVar's aggregate classification.

Joint Genome Diagnostic Labs from Nijmegen and Maastricht, Radboudumc and MUMC+
Classification: Pathogenic. Review status: no assertion criteria provided. Collection method: clinical testing. Allele origin: germline. Affected: yes. Study: VKGL Data-share Consensus. Not counted in ClinVar's aggregate classification.

Literature cited by the submitters: PubMed 17056254 (cited by 7 submitters); PubMed 17723315 (cited by 6 submitters); PubMed 19588081 (cited by 4 submitters); PubMed 38948331 (cited by Genomenon, Inc); PubMed 38584574 (cited by Genomenon, Inc); PubMed 37701327 (cited by Genomenon, Inc); PubMed 37087815 (cited by Genomenon, Inc); PubMed 36805083 (cited by Genomenon, Inc); PubMed 35477515 (cited by Genomenon, Inc); PubMed 35264382 (cited by Genomenon, Inc); PubMed 34927739 (cited by Genomenon, Inc); PubMed 33741225 (cited by Genomenon, Inc); PubMed 33301762 (cited by Genomenon, Inc); PubMed 32711049 (cited by Genomenon, Inc); PubMed 32248831 (cited by Genomenon, Inc); PubMed 31676142 (cited by Genomenon, Inc); PubMed 31606152 (cited by Genomenon, Inc); PubMed 31545528 (cited by Genomenon, Inc); PubMed 28814660 (cited by Genomenon, Inc); PubMed 29181627 (cited by 3 submitters); PubMed 26497565 (cited by 3 submitters); PubMed 22676651 (cited by 4 submitters); PubMed 18425781 (cited by Labcorp Genetics (formerly Invitae), Labcorp); PubMed 22252923 (cited by Labcorp Genetics (formerly Invitae), Labcorp); PubMed 27344650 (cited by Labcorp Genetics (formerly Invitae), Labcorp and Women's Health and Genetics/Laboratory Corporation of America, LabCorp); PubMed 23825616 (cited by 4 submitters); PubMed 23843830 (cited by 3 submitters); PubMed 25681614 (cited by Broad Center for Mendelian Genomics, Broad Institute of MIT and Harvard); PubMed 32317649 (cited by Molecular Therapies Laboratory, Murdoch University).